The following is an entry in ClinVar:

ClinVar aggregate classification (germline): Uncertain significance. Review status: criteria provided, multiple submitters, no conflicts (2 of 4 stars). 2 submissions from 2 submitters: Uncertain significance (2). Last evaluated 2025-03-26.

Conditions:
Emery-Dreifuss muscular dystrophy 4, autosomal dominant (EDMD4). Also called: EMERY-DREIFUSS MUSCULAR DYSTROPHY 4 WITH VARIABLE FEATURES. Identifiers: Orphanet 261, MedGen C2751807, MONDO:0013071, OMIM 612998.
Autosomal recessive ataxia, Beauce type. Also called: Spinocerebellar ataxia, autosomal recessive 8; ATAXIA, RECESSIVE, OF BEAUCE; SYNE1 Deficiency; SYNE1-Related Autosomal Recessive Cerebellar Ataxia. Identifiers: Orphanet 88644, MedGen C1853116, MONDO:0012549, OMIM 610743.

gnomAD v4.1: 3 of 1,614,052 alleles (0.00019%); highest among the groups gnomAD compares: Admixed American, 0.0033%; no homozygotes.

Submissions (2):

Dasa
Classification: Uncertain significance for Emery-Dreifuss muscular dystrophy 4, autosomal dominant. Last evaluated: 2025-03-26. Review status: criteria provided, single submitter. Criteria: DASA Assertion Criteria. Collection method: clinical testing. Allele origin: germline.
Comment: NM_182961.4(SYNE1):c.13628A>T (p.Tyr4543Phe) is a missense variant that results in the substitution of tyrosine with phenylalanine. This variant is rare in population databases. Computational prediction algorithms are consistent with a benign effect. The currently available literature and clinical evidence are not sufficient to establish a definitive association between this variant and the reported condition. Therefore, this variant is classified as a variant of uncertain significance.

Labcorp Genetics (formerly Invitae), Labcorp
Classification: Uncertain significance for Emery-Dreifuss muscular dystrophy 4, autosomal dominant; Autosomal recessive ataxia, Beauce type. Last evaluated: 2023-01-30. Review status: criteria provided, single submitter. Criteria: Invitae Variant Classification Sherloc (09022015). Collection method: clinical testing. Allele origin: germline.
Comment: This sequence change replaces tyrosine, which is neutral and polar, with phenylalanine, which is neutral and non-polar, at codon 4472 of the SYNE1 protein (p.Tyr4472Phe). This variant is not present in population databases (gnomAD no frequency). In summary, the available evidence is currently insufficient to determine the role of this variant in disease. Therefore, it has been classified as a Variant of Uncertain Significance. Algorithms developed to predict the effect of missense changes on protein structure and function are either unavailable or do not agree on the potential impact of this missense change (SIFT: "Deleterious"; PolyPhen-2: "Benign"; Align-GVGD: "Class C15"). ClinVar contains an entry for this variant (Variation ID: 470997). This variant has not been reported in the literature in individuals affected with SYNE1-related conditions.

NM_182961.4(SYNE1):c.13628A>T (p.Tyr4543Phe)

Gene: SYNE1 (spectrin repeat containing nuclear envelope protein 1; minus strand). Cytogenetic location: 6q25.2.
Variant type: single nucleotide variant.
Coding change: c.13628A>T on transcript NM_182961.4 (MANE Select); coding-DNA position 13628, A replaced by T.
Protein change: p.Tyr4543Phe; replaces tyrosine 4543 with phenylalanine.
Molecular consequence: missense variant.
Genome position (GRCh38, 1-based): chr6:152,331,057, T>A on the plus strand (A>T on the coding strand, the complement: SYNE1 is on the minus strand). VCF-style: chr6-152331057-T-A. GRCh37 (hg19) VCF-style: chr6-152652192-T-A.
Other names: c.13415A>T, p.Tyr4472Phe (NM_033071.5); short protein forms Y4543F, Y4472F.
Identifiers: ClinVar variation 470997 (VCV000470997.12), dbSNP rs138770612, ClinGen allele CA150177463.
Genomic context (GRCh38, chr6:152,331,057, plus strand): 5'-GAAACCAAATTCTTCTCTAGTTCTTGTAACCGGTGACTGCACTTTTGTAAAACACTGTCA[T>A]AGACACTCTGCAATTCCTGAAGCTTCCCCAGCACTTCACTCTTTTCCTGCTCTGTGACTT-3'
Protein context (NP_892006.3, residues 4533-4553): LGKLQELQSV[Tyr4543Phe]DSVLQKCSHR